The following is an entry in ClinVar:

ClinVar aggregate classification (germline): Uncertain significance. Review status: criteria provided, multiple submitters, no conflicts (2 of 4 stars). 3 submissions from 3 submitters: Uncertain significance (3). Last evaluated 2025-09-26.

Allele frequency attached by ClinVar (database versions not stated): gnomAD exomes 0.00003 and 0.00001; ExAC 0.00001; TOPMed 0.00003; gnomAD 0.00001.
gnomAD v4.1: 13 of 1,613,264 alleles (0.00081%); highest among the groups gnomAD compares: Admixed American, 0.022%; no homozygotes.

Submissions (3):

Ambry Genetics
Classification: Uncertain significance. Last evaluated: 2025-09-26. Review status: criteria provided, single submitter. Criteria: Ambry Variant Classification Scheme 2023. Collection method: clinical testing. Allele origin: germline.

Labcorp Genetics (formerly Invitae), Labcorp
Classification: Uncertain significance. Last evaluated: 2024-01-02. Review status: criteria provided, single submitter. Criteria: Invitae Variant Classification Sherloc (09022015). Collection method: clinical testing. Allele origin: germline.
Comment: This sequence change replaces isoleucine, which is neutral and non-polar, with valine, which is neutral and non-polar, at codon 1097 of the LARS protein (p.Ile1097Val). This variant is present in population databases (rs745902477, gnomAD 0.02%). This variant has not been reported in the literature in individuals affected with LARS-related conditions. ClinVar contains an entry for this variant (Variation ID: 1200949). An algorithm developed to predict the effect of missense changes on protein structure and function (PolyPhen-2) suggests that this variant¬†is likely to be tolerated. In summary, the available evidence is currently insufficient to determine the role of this variant in disease. Therefore, it has been classified as a Variant of Uncertain Significance.

GeneDx
Classification: Uncertain significance. Last evaluated: 2021-06-21. Review status: criteria provided, single submitter. Criteria: GeneDx Variant Classification Process June 2021. Collection method: clinical testing. Allele origin: germline. Affected: yes.
Comment: Has not been previously published as pathogenic or benign to our knowledge; In silico analysis supports that this missense variant does not alter protein structure/function; This variant is associated with the following publications: (PMID: 27535533)

NM_020117.11(LARS1):c.3289A>G (p.Ile1097Val)

Gene: LARS1 (leucyl-tRNA synthetase 1; minus strand). Cytogenetic location: 5q32.
Variant type: single nucleotide variant.
Coding change: c.3289A>G on transcript NM_020117.11 (MANE Select); coding-DNA position 3289, A replaced by G.
Protein change: p.Ile1097Val; replaces isoleucine 1097 with valine.
Molecular consequence: missense variant.
Genome position (GRCh38, 1-based): chr5:146,120,407, T>C on the plus strand (A>G on the coding strand, the complement: LARS1 is on the minus strand). VCF-style: chr5-146120407-T-C. GRCh37 (hg19) VCF-style: chr5-145499970-T-C.
Other names: c.3151A>G, p.Ile1051Val (NM_001317964.2); c.3127A>G, p.Ile1043Val (NM_001317965.2); c.3208A>G, p.Ile1070Val (NM_016460.4); short protein forms I1043V, I1051V, I1070V, I1097V.
Identifiers: ClinVar variation 1200949 (VCV001200949.6), dbSNP rs745902477, ClinGen allele CA3489067.
Genomic context (GRCh38, chr5:146,120,407, plus strand): 5'-TGGGAGTTTTGGGGAACAACTTACCTTTAATTCCTCGATTCATTTTCATTAAACGCCTGA[T>C]TATGGAATCACAGTTATCTCCTTGCCTGATTTCAATTTTGGTTGAGAAGTGGCCATTGGA-3'
Protein context (NP_064502.9, residues 1087-1107): IRQGDNCDSI[Ile1097Val]RRLMKMNRGI